The following is an entry in ClinVar:

NM_000091.5(COL4A3):c.3053G>A (p.Gly1018Glu)

Genes: COL4A3 (collagen type IV alpha 3 chain; plus strand), MFF-DT (MFF divergent transcript; minus strand). Cytogenetic location: 2q36.3.
Variant type: single nucleotide variant.
Coding change: c.3053G>A on transcript NM_000091.5 (MANE Select); coding-DNA position 3053, G replaced by A.
Protein change: p.Gly1018Glu; replaces glycine 1018 with glutamic acid.
Molecular consequence: missense variant.
Genome position (GRCh38, 1-based): chr2:227,290,071, G>A. VCF-style: chr2-227290071-G-A. GRCh37 (hg19) VCF-style: chr2-228154787-G-A.
Other names: short protein forms G1018E.
Identifiers: ClinVar variation 4850893 (VCV004850893.1).
Genomic context (GRCh38, chr2:227,290,071, plus strand): 5'-ATTTGGGCAGCACTGGGAATCCTGGAGAACCAGGACTGCGTGGTATACCAGGAAGCATGG[G>A]GAACATGGGCATGCCAGGTAATGCATAAGGTCCTGTTATGAGCCCACAAGCTCATGATGG-3'
Protein context (NP_000082.2, residues 1008-1028): PGLRGIPGSM[Gly1018Glu]NMGMPGSKGK

ClinVar aggregate classification (germline): Uncertain significance (1 of 4 stars; one submission).

Conditions:
Autosomal dominant Alport syndrome (ATS3A). Also called: Alport syndrome dominant type; Renal failure and sensorineural hearing loss; ALPORT SYNDROME 3A, AUTOSOMAL DOMINANT. Identifiers: Orphanet 63, Orphanet 88918, MedGen C5882663, MONDO:0007086, OMIM 104200.

Submission:

Genetics laboratory, Institute of Kidney Diseases & Research Centre Dr. H.L. Trivedi Institute Of Transplantation Sciences
Classification: Uncertain significance for Autosomal dominant Alport syndrome. Last evaluated: 2025-11-19. Review status: criteria provided, single submitter. Criteria: ACMG Guidelines, 2015. Collection method: clinical testing. Allele origin: germline. Inheritance: Autosomal dominant inheritance. Affected: yes. Observed: 1 variant allele, 1 heterozygote.
Comment: The COL4A3 variant c.3053G>A (p.Gly1018Glu) is classified as a Variant of Uncertain Significance based on ACMG criteria PM1, PM2, PP3. The variant results in substitution of a conserved glycine residue within the collagenous Gly-X-Y domain, a critical functional region of COL4A3. Although glycine substitutions are a recognized disease mechanism in COL4A3-related disorders, current evidence is insufficient to establish pathogenicity.